The following is an entry in ClinVar:

ClinVar aggregate classification (germline): Uncertain significance (0 of 4 stars; one submission).

Conditions:
TTN-related disorder. Also called: TTN-related disorders; TTN-related condition; TTN-related disease.

gnomAD v4.1: 8 of 1,611,810 alleles (0.0005%); highest among the groups gnomAD compares: Admixed American, 0.005%; no homozygotes.

Submission:

PreventionGenetics, part of Exact Sciences
Classification: Uncertain significance for TTN-related condition. Last evaluated: 2024-09-23. Review status: no assertion criteria provided. Collection method: clinical testing. Allele origin: germline.
Comment: The TTN c.16033G>A variant is predicted to result in the amino acid substitution p.Val5345Met. To our knowledge, this variant has not been reported in the literature. This variant is reported in 0.0059% of alleles in individuals of Latino descent in gnomAD. At this time, the clinical significance of this variant is uncertain due to the absence of conclusive functional and genetic evidence.

NM_001267550.2(TTN):c.11312-4446G>A

Gene: TTN (titin; minus strand). Cytogenetic location: 2q31.2.
Variant type: single nucleotide variant.
Coding change: c.11312-4446G>A on transcript NM_001267550.2 (MANE Select); 4446 bases into the intron before coding-DNA position 11312, G replaced by A.
Molecular consequence: intron variant. On other transcripts: missense variant (1).
Genome position (GRCh38, 1-based): chr2:178,746,367, C>T on the plus strand (G>A on the coding strand, the complement: TTN is on the minus strand). VCF-style: chr2-178746367-C-T. GRCh37 (hg19) VCF-style: chr2-179611094-C-T.
Other names: c.16033G>A, p.Val5345Met (NM_133379.5); c.10223-4446G>A (NM_003319.4); c.10799-4446G>A (NM_133437.4); c.10598-4446G>A (NM_133432.3); c.10360+6757G>A (NM_133378.4); c.10361-4446G>A (NM_001256850.1); short protein forms V5345M.
Identifiers: ClinVar variation 3351590 (VCV003351590.1).